The following is an entry in ClinVar:

NM_022489.4(INF2):c.161G>A (p.Arg54His)

Gene: INF2 (inverted formin 2; plus strand). Cytogenetic location: 14q32.33.
Variant type: single nucleotide variant.
Coding change: c.161G>A on transcript NM_022489.4 (MANE Select); coding-DNA position 161, G replaced by A.
Protein change: p.Arg54His; replaces arginine 54 with histidine.
Molecular consequence: missense variant. On other transcripts: non-coding transcript variant (1).
Genome position (GRCh38, 1-based): chr14:104,701,526, G>A. VCF-style: chr14-104701526-G-A. GRCh37 (hg19) VCF-style: chr14-105167863-G-A.
Other names: c.161G>A, p.Arg54His (NM_001426862.1, NM_001426863.1, NM_001426864.1 and 6 more transcripts); short protein forms R54H.
Identifiers: ClinVar variation 3752653 (VCV003752653.2).

ClinVar aggregate classification (germline): Uncertain significance (1 of 4 stars; one submission).

Conditions:
Focal segmental glomerulosclerosis 5 (FSGS5). Identifiers: Orphanet 656, MedGen C2750475, MONDO:0013191, OMIM 613237.
Charcot-Marie-Tooth disease dominant intermediate E. Also called: CHARCOT-MARIE-TOOTH NEUROPATHY WITH FOCAL SEGMENTAL GLOMERULONEPHRITIS. Identifiers: Orphanet 93114, MedGen C4302667, MONDO:0013758, OMIM 614455.

gnomAD v4.1: 4 of 1,607,064 alleles (0.00025%); highest among the groups gnomAD compares: Non-Finnish European, 0.00034%; no homozygotes.

Submission:

Labcorp Genetics (formerly Invitae), Labcorp
Classification: Uncertain significance for Charcot-Marie-Tooth disease dominant intermediate E; Focal segmental glomerulosclerosis 5. Last evaluated: 2024-10-02. Review status: criteria provided, single submitter. Criteria: Invitae Variant Classification Sherloc (09022015). Collection method: clinical testing. Allele origin: germline.
Comment: This sequence change replaces arginine, which is basic and polar, with histidine, which is basic and polar, at codon 54 of the INF2 protein (p.Arg54His). This variant is present in population databases (no rsID available, gnomAD 0.007%). This variant has not been reported in the literature in individuals affected with INF2-related conditions. Invitae Evidence Modeling of protein sequence and biophysical properties (such as structural, functional, and spatial information, amino acid conservation, physicochemical variation, residue mobility, and thermodynamic stability) has been performed for this missense variant. However, the output from this modeling did not meet the statistical confidence thresholds required to predict the impact of this variant on INF2 protein function. In summary, the available evidence is currently insufficient to determine the role of this variant in disease. Therefore, it has been classified as a Variant of Uncertain Significance.